The following is an entry in ClinVar:

NM_000937.5(POLR2A):c.2824G>C (p.Val942Leu)

Gene: POLR2A (RNA polymerase II subunit A; plus strand). Cytogenetic location: 17p13.1.
Variant type: single nucleotide variant.
Coding change: c.2824G>C on transcript NM_000937.5 (MANE Select); coding-DNA position 2824, G replaced by C.
Protein change: p.Val942Leu; replaces valine 942 with leucine.
Molecular consequence: missense variant.
Genome position (GRCh38, 1-based): chr17:7,503,188, G>C. VCF-style: chr17-7503188-G-C. GRCh37 (hg19) VCF-style: chr17-7406507-G-C.
Other names: short protein forms V942L.
Identifiers: ClinVar variation 4886033 (VCV004886033.2).

ClinVar aggregate classification (germline): Uncertain significance (1 of 4 stars; one submission).

Submission:

Dasa
Classification: Uncertain significance. Last evaluated: 2025-08-01. Review status: criteria provided, single submitter. Criteria: DASA Assertion Criteria. Collection method: clinical testing. Allele origin: germline.
Comment: NM_000937.5(POLR2A):c.2824G>C (p.Val942Leu) is a missense variant that results in the substitution of valine with leucine. This variant is absent from population databases. Computational prediction algorithms are consistent with a benign effect. The currently available literature and clinical evidence are not sufficient to establish a definitive association between this variant and the reported condition. Therefore, this variant is classified as a variant of uncertain significance.